The following is an entry in ClinVar:

ClinVar aggregate classification (germline): Uncertain significance (1 of 4 stars; one submission).

gnomAD v4.1: 1 of 1,610,882 alleles (0.000062%); highest among the groups gnomAD compares: African/African-American, 0.0013%; no homozygotes.

Submission:

Dasa
Classification: Uncertain significance. Last evaluated: 2024-12-27. Review status: criteria provided, single submitter. Criteria: DASA Assertion Criteria. Collection method: clinical testing. Allele origin: germline.
Comment: NM_001375524.1(TRRAP):c.1643G>A (p.Ser548Asn) is a missense variant that results in the substitution of serine with asparagine. This variant is rare in population databases. Computational prediction algorithms are consistent with a benign effect. The currently available literature and clinical evidence are not sufficient to establish a definitive association between this variant and the reported condition. Therefore, this variant is classified as a variant of uncertain significance.

NM_001375524.1(TRRAP):c.1643G>A (p.Ser548Asn)

Gene: TRRAP (transformation/transcription domain associated protein; plus strand). Cytogenetic location: 7q22.1.
Variant type: single nucleotide variant.
Coding change: c.1643G>A on transcript NM_001375524.1 (MANE Select); coding-DNA position 1643, G replaced by A.
Protein change: p.Ser548Asn; replaces serine 548 with asparagine.
Molecular consequence: missense variant.
Genome position (GRCh38, 1-based): chr7:98,910,348, G>A. VCF-style: chr7-98910348-G-A. GRCh37 (hg19) VCF-style: chr7-98507971-G-A.
Other names: c.1643G>A, p.Ser548Asn (NM_001244580.2, NM_003496.4); short protein forms S548N.
Identifiers: ClinVar variation 4884993 (VCV004884993.2).
Genomic context (GRCh38, chr7:98,910,348, plus strand): 5'-AGAAGCAAGGAGAAAAGGACAAGGAAGACAAGCAGACATTCCAAGTCACAGACTGTCGAA[G>A]TTTGGTCAAAACCTTGGTGTGTGGTGTCAAGACAATCACGTGGGGCATAACATCATGCAA-3'
Protein context (NP_001362453.1, residues 538-558): KQTFQVTDCR[Ser548Asn]LVKTLVCGVK